The following is an entry in ClinVar:

ClinVar aggregate classification (germline): Uncertain significance (1 of 4 stars; one submission).

Submission:

Labcorp Genetics (formerly Invitae), Labcorp
Classification: Uncertain significance. Last evaluated: 2024-06-22. Review status: criteria provided, single submitter. Criteria: Invitae Variant Classification Sherloc (09022015). Collection method: clinical testing. Allele origin: germline.
Comment: This sequence change replaces aspartic acid, which is acidic and polar, with alanine, which is neutral and non-polar, at codon 243 of the DNA2 protein (p.Asp243Ala). This variant is not present in population databases (gnomAD no frequency). This variant has not been reported in the literature in individuals affected with DNA2-related conditions. Experimental studies and prediction algorithms are not available or were not evaluated, and the functional significance of this variant is currently unknown. In summary, the available evidence is currently insufficient to determine the role of this variant in disease. Therefore, it has been classified as a Variant of Uncertain Significance.

NM_001080449.3(DNA2):c.728A>C (p.Asp243Ala)

Gene: DNA2 (DNA replication helicase/nuclease 2; minus strand). Cytogenetic location: 10q21.3.
Variant type: single nucleotide variant.
Coding change: c.728A>C on transcript NM_001080449.3 (MANE Select); coding-DNA position 728, A replaced by C.
Protein change: p.Asp243Ala; replaces aspartic acid 243 with alanine.
Molecular consequence: missense variant. On other transcripts: non-coding transcript variant (1).
Genome position (GRCh38, 1-based): chr10:68,450,239, T>G on the plus strand (A>C on the coding strand, the complement: DNA2 is on the minus strand). VCF-style: chr10-68450239-T-G. GRCh37 (hg19) VCF-style: chr10-70209996-T-G.
Other names: short protein forms D243A.
Identifiers: ClinVar variation 3657439 (VCV003657439.2).